The following is an entry in ClinVar:

NM_001042545.2(LTBP4):c.2617G>C (p.Gly873Arg)

Gene: LTBP4 (latent transforming growth factor beta binding protein 4; plus strand). Cytogenetic location: 19q13.2.
Variant type: single nucleotide variant.
Coding change: c.2617G>C on transcript NM_001042545.2 (MANE Select); coding-DNA position 2617, G replaced by C.
Protein change: p.Gly873Arg; replaces glycine 873 with arginine.
Molecular consequence: missense variant.
Genome position (GRCh38, 1-based): chr19:40,613,975, G>C. VCF-style: chr19-40613975-G-C. GRCh37 (hg19) VCF-style: chr19-41119881-G-C.
Other names: c.2818G>C, p.Gly940Arg (NM_001042544.1); c.2707G>C, p.Gly903Arg (NM_003573.2); short protein forms G873R, G903R, G940R.
Identifiers: ClinVar variation 423743 (VCV000423743.52), dbSNP rs201533251, ClinGen allele CA9448739.

ClinVar aggregate classification (germline): Uncertain significance. Review status: criteria provided, multiple submitters, no conflicts (2 of 4 stars). 4 submissions from 4 submitters: Uncertain significance (4). Last evaluated 2025-10-09.

Conditions:
Cutis laxa with severe pulmonary, gastrointestinal and urinary anomalies. Also called: LTBP4-Related Cutis Laxa; URBAN-RIFKIN-DAVIS SYNDROME; Cutis laxa, autosomal recessive, type IC. Identifiers: Orphanet 221145, MedGen C2750804, MONDO:0013170, OMIM 613177. Disease mechanism: loss of function.

Allele frequency attached by ClinVar (database versions not stated): ESP Exome Variant Server 0.00016; gnomAD 0.00016 and 0.00017; gnomAD exomes 0.00017 and 0.00034; ExAC 0.00018; TOPMed 0.00018.
gnomAD v4.1: 523 of 1,613,670 alleles (0.032%); highest among the groups gnomAD compares: Non-Finnish European, 0.043%; no homozygotes.

Submissions (4):

GeneDx
Classification: Uncertain significance. Last evaluated: 2025-10-09. Review status: criteria provided, single submitter. Criteria: GeneDx Variant Classification Process June 2021. Collection method: clinical testing. Allele origin: germline. Affected: yes.
Comment: In silico analysis supports that this missense variant has a deleterious effect on protein structure/function; Has not been previously published as pathogenic or benign to our knowledge

Department of Pathology and Laboratory Medicine, Sinai Health System
Classification: Uncertain significance for Cutis laxa with severe pulmonary, gastrointestinal and urinary anomalies. Last evaluated: 2023-01-27. Review status: criteria provided, single submitter. Criteria: ACMG Guidelines, 2015. Collection method: research. Allele origin: germline.

Labcorp Genetics (formerly Invitae), Labcorp
Classification: Uncertain significance. Last evaluated: 2022-10-16. Review status: criteria provided, single submitter. Criteria: Invitae Variant Classification Sherloc (09022015). Collection method: clinical testing. Allele origin: germline.
Comment: This sequence change replaces glycine, which is neutral and non-polar, with arginine, which is basic and polar, at codon 903 of the LTBP4 protein (p.Gly903Arg). This variant is present in population databases (rs201533251, gnomAD 0.03%). This variant has not been reported in the literature in individuals affected with LTBP4-related conditions. ClinVar contains an entry for this variant (Variation ID: 423743). Experimental studies and prediction algorithms are not available or were not evaluated, and the functional significance of this variant is currently unknown. In summary, the available evidence is currently insufficient to determine the role of this variant in disease. Therefore, it has been classified as a Variant of Uncertain Significance.

CeGaT Center for Human Genetics Tuebingen
Classification: Uncertain significance. Last evaluated: 2018-11-01. Review status: criteria provided, single submitter. Criteria: CeGaT Center For Human Genetics Tuebingen Variant Classification Criteria Version 2. Collection method: clinical testing. Allele origin: germline. Affected: yes. Observed: 2 variant alleles.